The following is an entry in ClinVar:

NM_000059.4(BRCA2):c.9822G>T (p.Leu3274Phe)

Gene: BRCA2 (BRCA2 DNA repair associated; plus strand). Cytogenetic location: 13q13.1.
Variant type: single nucleotide variant.
Coding change: c.9822G>T on transcript NM_000059.4 (MANE Select); coding-DNA position 9822, G replaced by T.
Protein change: p.Leu3274Phe; replaces leucine 3274 with phenylalanine.
Molecular consequence: missense variant.
Genome position (GRCh38, 1-based): chr13:32,398,335, G>T. VCF-style: chr13-32398335-G-T. GRCh37 (hg19) VCF-style: chr13-32972472-G-T.
Other names: c.9726G>T, p.Leu3242Phe (NM_001406719.1); c.9771G>T, p.Leu3257Phe (NM_001406720.1); c.4890G>T, p.Leu1630Phe (NM_001406721.1); c.3405G>T, p.Leu1135Phe (NM_001406722.1); short protein forms L3257F, L3242F, L1135F, L1630F, L3274F.
Identifiers: ClinVar variation 1768326 (VCV001768326.3), dbSNP rs2137664123, ClinGen allele CA387766267.

ClinVar aggregate classification (germline): Uncertain significance (1 of 4 stars; one submission).

Conditions:
Hereditary cancer-predisposing syndrome. Also called: Hereditary Cancer Syndrome; Hereditary neoplastic syndrome; Neoplastic Syndromes, Hereditary; Tumor predisposition. Identifiers: Orphanet 140162, MedGen C0027672, MeSH D009386, MONDO:0015356.

Submission:

Ambry Genetics
Classification: Uncertain significance for Hereditary cancer-predisposing syndrome. Last evaluated: 2025-07-03. Review status: criteria provided, single submitter. Criteria: Ambry Variant Classification Scheme 2023. Collection method: clinical testing. Allele origin: germline.
Comment: The p.L3274F variant (also known as c.9822G>T), located in coding exon 26 of the BRCA2 gene, results from a G to T substitution at nucleotide position 9822. The leucine at codon 3274 is replaced by phenylalanine, an amino acid with highly similar properties. This amino acid position is highly conserved in available vertebrate species. In addition, this alteration is predicted to be tolerated by in silico analysis. Based on the available evidence, the clinical significance of this variant remains unclear.